The following is an entry in ClinVar:

ClinVar aggregate classification (germline): Conflicting classifications of pathogenicity. Review status: criteria provided, conflicting classifications (1 of 4 stars). 5 submissions from 5 submitters: Likely pathogenic (1); Uncertain significance (2). 2 of the submissions do not count toward it. Last evaluated 2026-01-13.

Conditions:
Cardiovascular phenotype. Identifiers: MedGen CN230736.
Charcot-Marie-Tooth disease type 2. Also called: Charcot-Marie-Tooth type 2. Identifiers: Orphanet 64746, MedGen C0270914, MONDO:0018993.
Primary dilated cardiomyopathy (DCM). Also called: Dilated Cardiomyopathy. Identifiers: Orphanet 217604, MedGen C0007193, MeSH D002311, MONDO:0005021, HP:0001644. Inheritance: Various modes of inheritance.

Allele frequency attached by ClinVar (database versions not stated): gnomAD exomes 0.00001; TOPMed below 0.00001; ExAC 0.00001.
gnomAD v4.1: 6 of 1,612,540 alleles (0.00037%); highest among the groups gnomAD compares: South Asian, 0.0022%; no homozygotes.

Submissions (5):

Labcorp Genetics (formerly Invitae), Labcorp
Classification: Likely pathogenic for Charcot-Marie-Tooth disease type 2. Last evaluated: 2026-01-13. Review status: criteria provided, single submitter. Criteria: Invitae Variant Classification Sherloc (09022015). Collection method: clinical testing. Allele origin: germline.
Comment: This sequence change replaces arginine, which is basic and polar, with histidine, which is basic and polar, at codon 388 of the LMNA protein (p.Arg388His). This variant is present in population databases (rs267607576, gnomAD 0.006%). This missense change has been observed in individual(s) with dilated cardiomyopathy (PMID: 30012837). ClinVar contains an entry for this variant (Variation ID: 66790). Invitae Evidence Modeling of protein sequence and biophysical properties (such as structural, functional, and spatial information, amino acid conservation, physicochemical variation, residue mobility, and thermodynamic stability) indicates that this missense variant is expected to disrupt LMNA protein function with a positive predictive value of 95%. Experimental studies have shown that this missense change affects LMNA function (PMID: 20160190). This variant disrupts the p.Arg388 amino acid residue in LMNA. Other variant(s) that disrupt this residue have been determined to be pathogenic (PMID: 28125586). This suggests that this residue is clinically significant, and that variants that disrupt this residue are likely to be disease-causing. In summary, the currently available evidence indicates that the variant is pathogenic, but additional data are needed to prove that conclusively. Therefore, this variant has been classified as Likely Pathogenic.

All of Us Research Program, National Institutes of Health
Classification: Uncertain significance for Primary dilated cardiomyopathy. Last evaluated: 2023-12-13. Review status: criteria provided, single submitter. Criteria: ACMG Guidelines, 2015. Collection method: clinical testing. Allele origin: germline. Inheritance: Autosomal dominant inheritance. Observed: 1 variant allele, 1 heterozygote.
Comment: This missense variant replaces arginine with histidine at codon 388 of the lamin A/C proteins. Computational prediction suggests that this variant may not impact protein structure and function (internally defined REVEL score threshold <= 0.5, PMID: 27666373). Functional studies using transfected COS7 cells suggest that this variant may impact LMNA protein activity (PMID: 20160190); however the clinical relevance of this observation is not known. This variant has been reported in a family affected with dilated cardiomyopathy, although the variant did not segregate with disease in multiple affected family members and was present in multiple unaffected family members (PMID: 18585512, 30012837). This variant has been identified in 3/248352 chromosomes in the general population by the Genome Aggregation Database (gnomAD). The available evidence is insufficient to determine the role of this variant in disease conclusively. Therefore, this variant is classified as a Variant of Uncertain Significance.

This study involves interpretation of variants in research participants for the purpose of population health screening. Participant phenotype was not available at the time of variant classification. Additional details can be found in publication PMID: 35346344, PMCID: PMC8962531

Ambry Genetics
Classification: Uncertain significance for Cardiovascular phenotype. Last evaluated: 2023-11-29. Review status: criteria provided, single submitter. Criteria: Ambry Variant Classification Scheme 2023. Collection method: clinical testing. Allele origin: germline.
Comment: The p.R388H variant (also known as c.1163G>A), located in coding exon 7 of the LMNA gene, results from a G to A substitution at nucleotide position 1163. The arginine at codon 388 is replaced by histidine, an amino acid with highly similar properties. This alteration has been reported in a family with dilated cardiomyopathy (DCM); however, it did not segregate with disease in that family and an additional alteration in RBM20 was also identified (Parks SB et al. Am Heart J, 2008 Jul;156:161-9; Li D et al. Clin Transl Sci, 2010 Jun;3:90-7). Additionally, this alteration may impact protein function; however, the physiological relevance of this finding is unclear (Cowan J et al. Circ Cardiovasc Genet, 2010 Feb;3:6-14). This amino acid position is well conserved in available vertebrate species. In addition, this alteration is predicted to be deleterious by in silico analysis. Since supporting evidence is limited at this time, the clinical significance of this alteration remains unclear.

Epithelial Biology;  Institute of Medical Biology, Singapore
No classification provided. Review status: no classification provided. Collection method: not provided. Allele origin: not provided. Not counted in ClinVar's aggregate classification.

University of Washington Center for Mendelian Genomics, University of Washington
Classification: Uncertain significance for Dilated Cardiomyopathy. Review status: no assertion criteria provided. Collection method: research. Allele origin: unknown. Affected: yes. Not counted in ClinVar's aggregate classification.

Literature cited by the submitters: PubMed 30012837 (cited by 3 submitters); PubMed 20160190 (cited by 3 submitters); PubMed 28125586 (cited by Labcorp Genetics (formerly Invitae), Labcorp); PubMed 18585512 (cited by All of Us Research Program, National Institutes of Health and Ambry Genetics); PubMed 20590677 (cited by Ambry Genetics).

NM_170707.4(LMNA):c.1163G>A (p.Arg388His)

Gene: LMNA (lamin A/C; plus strand). Cytogenetic location: 1q22.
Variant type: single nucleotide variant.
Coding change: c.1163G>A on transcript NM_170707.4 (MANE Select); coding-DNA position 1163, G replaced by A.
Protein change: p.Arg388His; replaces arginine 388 with histidine.
Molecular consequence: missense variant.
Genome position (GRCh38, 1-based): chr1:156,136,219, G>A. VCF-style: chr1-156136219-G-A. GRCh37 (hg19) VCF-style: chr1-156106010-G-A.
Other names: c.827G>A, p.Arg276His (NM_001257374.3); c.920G>A, p.Arg307His (NM_001282624.2); c.1163G>A, p.Arg388His (NM_001282625.2, NM_001282626.2, NM_005572.4 and 1 more transcripts); short protein forms R388H, R307H, R276H.
Identifiers: ClinVar variation 66790 (VCV000066790.13), dbSNP rs267607576, ClinGen allele CA016807.
Genomic context (GRCh38, chr1:156,136,219, plus strand): 5'-CCTCTGGCCGGCAACTGGCCTTGACTAGACCCCCACTTGGTCTCCCTCTCCCCAGGCTAC[G>A]CCTGTCCCCCAGCCCTACCTCGCAGCGCAGCCGTGGCCGTGCTTCCTCTCACTCATCCCA-3'
Protein context (NP_733821.1, residues 378-398): KLLEGEEERL[Arg388His]LSPSPTSQRS